The following is an entry in ClinVar:

NM_001737.5(C9):c.1038_1042delinsT (p.Ser347fs)

Gene: C9 (complement C9; minus strand). Cytogenetic location: 5p13.1.
Variant type: Indel.
Coding change: c.1038_1042delinsT on transcript NM_001737.5 (MANE Select); coding-DNA positions 1038 to 1042, CAGTA replaced by T.
Protein change: p.Ser347fs; shifts the reading frame from serine 347.
Molecular consequence: frameshift variant.
Genome position (GRCh38, 1-based): chr5:39,311,206-39,311,210, TACTG replaced by A on the plus strand (CAGTA replaced by T on the coding strand, the reverse complement: C9 is on the minus strand). VCF-style: chr5-39311206-TACTG-A. GRCh37 (hg19) VCF-style: chr5-39311308-TACTG-A.
Other names: c.1038_1042delinsT (NM_001737.4); short protein forms S347fs.
Identifiers: ClinVar variation 1033862 (VCV001033862.10), dbSNP rs1753477155, ClinGen allele CA1540639598.

ClinVar aggregate classification (germline): Pathogenic/Likely pathogenic. Review status: criteria provided, multiple submitters, no conflicts (2 of 4 stars). 4 submissions from 4 submitters: Pathogenic (1); Likely pathogenic (3). Last evaluated 2024-12-26.

Conditions:
C9-related disorders.
C9-related disorder. Also called: C9-related condition.
Age related macular degeneration 15. Also called: MACULAR DEGENERATION, AGE-RELATED, 15, SUSCEPTIBILITY TO. Identifiers: MedGen C3810042, MONDO:0014266, OMIM 615591.
Complement component 9 deficiency (C9D). Also called: C9 deficiency. Identifiers: MedGen C3151189, MONDO:0013445, OMIM 613825.

Submissions (4):

PreventionGenetics, part of Exact Sciences
Classification: Likely pathogenic for C9-related condition. Last evaluated: 2024-12-26. Review status: criteria provided, single submitter. Criteria: ACMG Guidelines, 2015. Collection method: clinical testing. Allele origin: germline.
Comment: The C9 c.1038_1042delinsT variant is predicted to result in a frameshift and premature protein termination (p.Ser347Alafs*5). To our knowledge, this variant has not been reported in the literature. This variant has not been reported in a large population database, although a component of this variant (c.1042delA, p.Ser349Leufs*4) is reported in 0.031% of alleles in individuals of Latino descent in gnomAD. Frameshift variants in C9 are expected to be pathogenic. This variant is interpreted as likely pathogenic.

Blueprint Genetics
Classification: Likely pathogenic for C9-related disorders. Last evaluated: 2024-08-01. Review status: criteria provided, single submitter. Criteria: ACMG Guidelines, 2015. Collection method: clinical testing. Allele origin: germline. Affected: yes. Observed: 1 variant allele.

Fulgent Genetics
Classification: Likely pathogenic for Complement component 9 deficiency; Age related macular degeneration 15. Last evaluated: 2022-04-26. Review status: criteria provided, single submitter. Criteria: ACMG Guidelines, 2015. Collection method: clinical testing. Allele origin: unknown.

Labcorp Genetics (formerly Invitae), Labcorp
Classification: Pathogenic. Last evaluated: 2021-04-04. Review status: criteria provided, single submitter. Criteria: Invitae Variant Classification Sherloc (09022015). Collection method: clinical testing. Allele origin: germline.
Comment: For these reasons, this variant has been classified as Pathogenic. This variant has not been reported in the literature in individuals with C9-related conditions. The frequency data for this variant in the population databases is not available, as this variant may be reported as separate entries in the ExAC database. This sequence change creates a premature translational stop signal (p.Ser347Alafs*5) in the C9 gene. It is expected to result in an absent or disrupted protein product. Loss-of-function variants in C9 are known to be pathogenic (PMID: 9144525, 9570574).

Literature cited by the submitters: PubMed 9144525 (cited by Labcorp Genetics (formerly Invitae), Labcorp); PubMed 9570574 (cited by Labcorp Genetics (formerly Invitae), Labcorp).